The following is an entry in ClinVar:

ClinVar aggregate classification (germline): Likely benign. Review status: criteria provided, multiple submitters, no conflicts (2 of 4 stars). 3 submissions from 3 submitters: Likely benign (2). 1 of the submissions does not count toward it. Last evaluated 2025-10-26.

Conditions:
PIEZO1-related disorder. Also called: PIEZO1-related condition; PIEZO1-Related Disorders.

Allele frequency attached by ClinVar (database versions not stated): gnomAD 0.00010; 1000 Genomes Project 30x 0.00016; 1000 Genomes Project 0.00020; TOPMed 0.00022; ExAC 0.00028.

Submissions (3):

Labcorp Genetics (formerly Invitae), Labcorp
Classification: Likely benign. Last evaluated: 2025-10-26. Review status: criteria provided, single submitter. Criteria: Invitae Variant Classification Sherloc (09022015). Collection method: clinical testing. Allele origin: germline.

Blueprint Genetics
Classification: Likely benign. Last evaluated: 2024-08-20. Review status: criteria provided, single submitter. Criteria: ACMG Guidelines, 2015. Collection method: clinical testing. Allele origin: germline.

PreventionGenetics, part of Exact Sciences
Classification: Likely benign for PIEZO1-related condition. Last evaluated: 2019-09-13. Review status: no assertion criteria provided. Collection method: clinical testing. Allele origin: germline. Not counted in ClinVar's aggregate classification.
Comment: This variant is classified as likely benign based on ACMG/AMP sequence variant interpretation guidelines (Richards et al. 2015 PMID: 25741868, with internal and published modifications).

NM_001142864.4(PIEZO1):c.5668+9G>A

Gene: PIEZO1 (piezo type mechanosensitive ion channel component 1 (Er blood group); minus strand). Cytogenetic location: 16q24.3.
Variant type: single nucleotide variant.
Coding change: c.5668+9G>A on transcript NM_001142864.4 (MANE Select); 9 bases into the intron after coding-DNA position 5668, G replaced by A.
Molecular consequence: intron variant.
Genome position (GRCh38, 1-based): chr16:88,721,157, C>T on the plus strand (G>A on the coding strand, the complement: PIEZO1 is on the minus strand). VCF-style: chr16-88721157-C-T. GRCh37 (hg19) VCF-style: chr16-88787565-C-T.
Other names: c.5668+9G>A (NM_001142864.3).
Identifiers: ClinVar variation 2886612 (VCV002886612.6), dbSNP rs568310455, ClinGen allele CA8231820.